The following is an entry in ClinVar:

NM_014588.6(VSX1):c.941_942del (p.Lys314fs)

Gene: VSX1 (visual system homeobox 1; minus strand). Cytogenetic location: 20p11.21.
Variant type: Deletion.
Coding change: c.941_942del on transcript NM_014588.6 (MANE Select); coding-DNA positions 941 to 942, 2 bases deleted (AA; older notation c.941_942delAA).
Protein change: p.Lys314fs; shifts the reading frame from lysine 314.
Molecular consequence: frameshift variant. On other transcripts: non-coding transcript variant (2), intron variant (2).
Genome position (GRCh38, 1-based): chr20:25,076,417-25,076,418, TT deleted on the plus strand (AA on the coding strand, the reverse complement: VSX1 is on the minus strand); deleting any 2 consecutive bases within chr20:25,076,417-25,076,419 gives the same sequence; the c. name uses the placement nearest the transcript's 3' end. VCF-style (leftmost placement, unchanged base first): chr20-25076416-CTT-C. GRCh37 (hg19) VCF-style: chr20-25057052-CTT-C.
Other names: c.248_249del, p.Lys83fs (NM_001378633.1); c.627+2411_627+2412del (NM_001256271.2); c.808+1267_808+1268del (NM_001256272.2); short protein forms K83fs, K314fs.
Identifiers: ClinVar variation 4762157 (VCV004762157.1).

ClinVar aggregate classification (germline): Uncertain significance (1 of 4 stars; one submission).

Submission:

Labcorp Genetics (formerly Invitae), Labcorp
Classification: Uncertain significance. Last evaluated: 2025-06-05. Review status: criteria provided, single submitter. Criteria: Invitae Variant Classification Sherloc (09022015). Collection method: clinical testing. Allele origin: germline.
Comment: This sequence change creates a premature translational stop signal (p.Lys314Serfs*4) in the VSX1 gene. While this is not anticipated to result in nonsense mediated decay, it is expected to disrupt the last 52 amino acid(s) of the VSX1 protein. This variant is not present in population databases (gnomAD no frequency). This variant has not been reported in the literature in individuals affected with VSX1-related conditions. Algorithms developed to predict the effect of sequence changes on RNA splicing suggest that this variant may disrupt the consensus splice site. In summary, the available evidence is currently insufficient to determine the role of this variant in disease. Therefore, it has been classified as a Variant of Uncertain Significance.